The following is an entry in ClinVar:

NM_006445.4(PRPF8):c.5437C>T (p.Arg1813Cys)

Gene: PRPF8 (pre-mRNA processing factor 8; minus strand). Cytogenetic location: 17p13.3.
Variant type: single nucleotide variant.
Coding change: c.5437C>T on transcript NM_006445.4 (MANE Select); coding-DNA position 5437, C replaced by T.
Protein change: p.Arg1813Cys; replaces arginine 1813 with cysteine.
Molecular consequence: missense variant.
Genome position (GRCh38, 1-based): chr17:1,658,321, G>A on the plus strand (C>T on the coding strand, the complement: PRPF8 is on the minus strand). VCF-style: chr17-1658321-G-A. GRCh37 (hg19) VCF-style: chr17-1561615-G-A.
Other names: short protein forms R1813C.
Identifiers: ClinVar variation 4072669 (VCV004072669.1).

ClinVar aggregate classification (germline): Uncertain significance (1 of 4 stars; one submission).

gnomAD v4.1: 1 of 1,614,196 alleles (0.000062%); no homozygotes.

Submission:

GeneDx
Classification: Uncertain significance. Last evaluated: 2025-01-29. Review status: criteria provided, single submitter. Criteria: GeneDx Variant Classification Process June 2021. Collection method: clinical testing. Allele origin: germline. Affected: yes.
Comment: Not observed at significant frequency in large population cohorts (gnomAD); In silico analysis supports that this missense variant has a deleterious effect on protein structure/function; Has not been previously published as pathogenic or benign to our knowledge